The following is an entry in ClinVar:

NM_001193315.2(VIPAS39):c.136G>A (p.Val46Met)

Gene: VIPAS39 (VPS33B interacting protein, apical-basolateral polarity regulator, spe-39 homolog; minus strand). Cytogenetic location: 14q24.3.
Variant type: single nucleotide variant.
Coding change: c.136G>A on transcript NM_001193315.2 (MANE Select); coding-DNA position 136, G replaced by A.
Protein change: p.Val46Met; replaces valine 46 with methionine.
Molecular consequence: missense variant.
Genome position (GRCh38, 1-based): chr14:77,453,359, C>T on the plus strand (G>A on the coding strand, the complement: VIPAS39 is on the minus strand). VCF-style: chr14-77453359-C-T. GRCh37 (hg19) VCF-style: chr14-77919702-C-T.
Other names: p.Val46Met; c.136G>A, p.Val46Met (NM_001193317.2, NM_022067.4, NM_001193314.2 and 1 more transcripts); short protein forms V46M.
Identifiers: ClinVar variation 191049 (VCV000191049.43), dbSNP rs148360332, ClinGen allele CA235912.

ClinVar aggregate classification (germline): Benign/Likely benign. Review status: criteria provided, multiple submitters, no conflicts (2 of 4 stars). 8 submissions from 8 submitters: Benign (3); Likely benign (5). Last evaluated 2026-03-01.

Conditions:
VIPAS39-related disorder. Also called: VIPAS39-related condition.

Allele frequency attached by ClinVar (database versions not stated): 1000 Genomes Project 0.00060; 1000 Genomes Project 30x 0.00062; gnomAD 0.00106 and 0.00110; ESP Exome Variant Server 0.00123; TOPMed 0.00124; ExAC 0.00139; gnomAD exomes 0.00169.
gnomAD v4.1: 2,233 of 1,614,086 alleles (0.14%); highest among the groups gnomAD compares: Middle Eastern, 0.63%; 9 homozygotes.

Submissions (8):

CeGaT Center for Human Genetics Tuebingen
Classification: Likely benign. Last evaluated: 2026-03-01. Review status: criteria provided, single submitter. Criteria: CeGaT Center For Human Genetics Tuebingen Variant Classification Criteria Version 2. Collection method: clinical testing. Allele origin: germline. Affected: yes. Observed: 2 variant alleles.
Comment: VIPAS39: BS2

Labcorp Genetics (formerly Invitae), Labcorp
Classification: Benign. Last evaluated: 2026-02-01. Review status: criteria provided, single submitter. Criteria: Invitae Variant Classification Sherloc (09022015). Collection method: clinical testing. Allele origin: germline.

Mayo Clinic Laboratories, Mayo Clinic
Classification: Benign. Last evaluated: 2025-06-23. Review status: criteria provided, single submitter. Criteria: ACMG Guidelines, 2015. Collection method: clinical testing. Allele origin: germline. Observed: 2 variant alleles.
Comment: BS1, BS2, BP4, PM1_supporting

PreventionGenetics, part of Exact Sciences
Classification: Benign for VIPAS39-related condition. Last evaluated: 2024-11-25. Review status: criteria provided, single submitter. Criteria: ACMG Guidelines, 2015. Collection method: clinical testing. Allele origin: germline.
Comment: This variant is classified as benign based on ACMG/AMP sequence variant interpretation guidelines (Richards et al. 2015 PMID: 25741868, with internal and published modifications).

Blueprint Genetics
Classification: Likely benign. Last evaluated: 2024-11-21. Review status: criteria provided, single submitter. Criteria: ACMG Guidelines, 2015. Collection method: clinical testing. Allele origin: germline.

Eurofins Ntd Llc (ga)
Classification: Likely benign. Last evaluated: 2017-03-08. Review status: criteria provided, single submitter. Criteria: EGL Classification Definitions 2015. Collection method: clinical testing. Allele origin: germline. Observed: 4 variant alleles, 4 heterozygotes.

Genomic Medicine Center of Excellence, King Faisal Specialist Hospital and Research Centre
Classification: Likely benign. Last evaluated: 2016-09-28. Review status: criteria provided, single submitter. Criteria: ACMG Guidelines, 2015. Collection method: research. Allele origin: germline. Affected: yes.

Breakthrough Genomics
Classification: Likely benign. Review status: criteria provided, single submitter. Criteria: ACMG Guidelines, 2015. Collection method: not provided. Allele origin: germline. Inheritance: Autosomal recessive inheritance. Affected: yes.